The following is an entry in ClinVar:

ClinVar aggregate classification (germline): Uncertain significance (1 of 4 stars; one submission).

Submission:

Labcorp Genetics (formerly Invitae), Labcorp
Classification: Uncertain significance. Last evaluated: 2022-08-21. Review status: criteria provided, single submitter. Criteria: Invitae Variant Classification Sherloc (09022015). Collection method: clinical testing. Allele origin: germline.
Comment: In summary, the available evidence is currently insufficient to determine the role of this variant in disease. Therefore, it has been classified as a Variant of Uncertain Significance. Advanced modeling of protein sequence and biophysical properties (such as structural, functional, and spatial information, amino acid conservation, physicochemical variation, residue mobility, and thermodynamic stability) performed at Invitae indicates that this missense variant is not expected to disrupt SERPINH1 protein function. This variant has not been reported in the literature in individuals affected with SERPINH1-related conditions. This variant is present in population databases (rs376824871, gnomAD 0.003%). This sequence change replaces serine, which is neutral and polar, with tryptophan, which is neutral and slightly polar, at codon 76 of the SERPINH1 protein (p.Ser76Trp).

NM_001235.5(SERPINH1):c.227C>G (p.Ser76Trp)

Gene: SERPINH1 (serpin family H member 1; plus strand). Cytogenetic location: 11q13.5.
Variant type: single nucleotide variant.
Coding change: c.227C>G on transcript NM_001235.5 (MANE Select); coding-DNA position 227, C replaced by G.
Protein change: p.Ser76Trp; replaces serine 76 with tryptophan.
Molecular consequence: missense variant.
Genome position (GRCh38, 1-based): chr11:75,566,576, C>G. VCF-style: chr11-75566576-C-G. GRCh37 (hg19) VCF-style: chr11-75277621-C-G.
Other names: c.227C>G, p.Ser76Trp (NM_001207014.3); short protein forms S76W.
Identifiers: ClinVar variation 1717438 (VCV001717438.5), dbSNP rs376824871, ClinGen allele CA6190760.